The following is an entry in ClinVar:

NR_003051.4(RMRP):n.132del

Gene: RMRP (RNA component of mitochondrial RNA processing endoribonuclease; minus strand). Cytogenetic location: 9p13.3.
Variant type: Deletion.
Molecular consequence: non-coding transcript variant (on NR_003051.4).
Genome position: GRCh38 VCF-style: chr9-35657887-GA-G. GRCh37 (hg19) VCF-style: chr9-35657884-GA-G.
Identifiers: ClinVar variation 4712556 (VCV004712556.1).

ClinVar aggregate classification (germline): Uncertain significance (1 of 4 stars; one submission).

Conditions:
Anauxetic dysplasia. Identifiers: Orphanet 93347, MedGen C1846796, MONDO:0011773.

Submission:

Labcorp Genetics (formerly Invitae), Labcorp
Classification: Uncertain significance for Anauxetic dysplasia. Last evaluated: 2025-02-07. Review status: criteria provided, single submitter. Criteria: Invitae Variant Classification Sherloc (09022015). Collection method: clinical testing. Allele origin: germline.
Comment: This variant occurs in the RMRP gene, which encodes an RNA molecule that does not result in a protein product. This variant is not present in population databases (gnomAD no frequency). This variant has not been reported in the literature in individuals affected with RMRP-related conditions. Experimental studies and prediction algorithms are not available or were not evaluated, and the functional significance of this variant is currently unknown. In summary, the available evidence is currently insufficient to determine the role of this variant in disease. Therefore, it has been classified as a Variant of Uncertain Significance.